The following is an entry in ClinVar:

NM_006254.4(PRKCD):c.305C>T (p.Ala102Val)

Gene: PRKCD (protein kinase C delta; plus strand). Cytogenetic location: 3p21.1.
Variant type: single nucleotide variant.
Coding change: c.305C>T on transcript NM_006254.4 (MANE Select); coding-DNA position 305, C replaced by T.
Protein change: p.Ala102Val; replaces alanine 102 with valine.
Molecular consequence: missense variant.
Genome position (GRCh38, 1-based): chr3:53,179,766, C>T. VCF-style: chr3-53179766-C-T. GRCh37 (hg19) VCF-style: chr3-53213782-C-T.
Other names: c.305C>T, p.Ala102Val (NM_212539.2, NM_001316327.2, NM_001354679.2 and 1 more transcripts); c.362C>T, p.Ala121Val (NM_001354676.2); c.353C>T, p.Ala118Val (NM_001354678.2); short protein forms A102V, A118V, A121V.
Identifiers: ClinVar variation 1061971 (VCV001061971.5), dbSNP rs2107257453, ClinGen allele CA353233411.

ClinVar aggregate classification (germline): Uncertain significance (1 of 4 stars; one submission).

Conditions:
Autoimmune lymphoproliferative syndrome, type III caused by mutation in PRKCD. Identifiers: Orphanet 3261, Orphanet 664711, MedGen C3809928, MONDO:8000024, OMIM 615559.

Submission:

Labcorp Genetics (formerly Invitae), Labcorp
Classification: Uncertain significance for Autoimmune lymphoproliferative syndrome, type III caused by mutation in PRKCD. Last evaluated: 2022-01-27. Review status: criteria provided, single submitter. Criteria: Invitae Variant Classification Sherloc (09022015). Collection method: clinical testing. Allele origin: germline.
Comment: This variant is not present in population databases (gnomAD no frequency). In summary, the available evidence is currently insufficient to determine the role of this variant in disease. Therefore, it has been classified as a Variant of Uncertain Significance. Algorithms developed to predict the effect of sequence changes on RNA splicing suggest that this variant may create or strengthen a splice site. Algorithms developed to predict the effect of missense changes on protein structure and function are either unavailable or do not agree on the potential impact of this missense change (SIFT: "Deleterious"; PolyPhen-2: "Benign"; Align-GVGD: "Class C0"). ClinVar contains an entry for this variant (Variation ID: 1061971). This variant has not been reported in the literature in individuals affected with PRKCD-related conditions. This sequence change replaces alanine, which is neutral and non-polar, with valine, which is neutral and non-polar, at codon 102 of the PRKCD protein (p.Ala102Val).